The following is an entry in ClinVar:

ClinVar aggregate classification (germline): Benign/Likely benign. Review status: criteria provided, multiple submitters, no conflicts (2 of 4 stars). 3 submissions from 3 submitters: Benign (1); Likely benign (2). Last evaluated 2026-08-19.

Conditions:
DICER1-related tumor predisposition. Also called: DICER1 syndrome; DICER1-related pleuropulmonary blastoma cancer predisposition syndrome. Identifiers: Orphanet 284343, MedGen C3839822, MONDO:0100216.
Hereditary cancer-predisposing syndrome. Also called: Hereditary neoplastic syndrome; Neoplastic Syndromes, Hereditary; Tumor predisposition; Hereditary Cancer Syndrome. Identifiers: Orphanet 140162, MedGen C0027672, MeSH D009386, MONDO:0015356.

Allele frequency attached by ClinVar (database versions not stated): TOPMed 0.00001; ExAC 0.00001; gnomAD 0.00001.
gnomAD v4.1: 6 of 1,613,568 alleles (0.00037%); highest among the groups gnomAD compares: African/African-American, 0.004%; no homozygotes.

Submissions (3):

Myriad Genetics, Inc.
Classification: Benign for DICER1-related tumor predisposition. Last evaluated: 2026-08-19. Review status: criteria provided, single submitter. Criteria: Myriad Autosomal Dominant, Autosomal Recessive and X-Linked Classification Criteria (2023). Collection method: clinical testing. Allele origin: unknown.
Comment: This variant is considered benign. This variant is a silent/synonymous amino acid change and it is not expected to impact splicing.

Labcorp Genetics (formerly Invitae), Labcorp
Classification: Likely benign for DICER1-related tumor predisposition. Last evaluated: 2024-10-26. Review status: criteria provided, single submitter. Criteria: Invitae Variant Classification Sherloc (09022015). Collection method: clinical testing. Allele origin: germline.

Ambry Genetics
Classification: Likely benign for Hereditary cancer-predisposing syndrome. Last evaluated: 2018-08-30. Review status: criteria provided, single submitter. Criteria: Ambry Variant Classification Scheme 2023. Collection method: clinical testing. Allele origin: germline.

NM_177438.3(DICER1):c.228A>G (p.Leu76=)

Gene: DICER1 (dicer 1, ribonuclease III; minus strand). Cytogenetic location: 14q32.13.
Variant type: single nucleotide variant.
Coding change: c.228A>G on transcript NM_177438.3 (MANE Select); coding-DNA position 228, A replaced by G.
Protein change: p.Leu76=; no amino-acid change (leucine 76 retained).
Molecular consequence: synonymous variant.
Genome position (GRCh38, 1-based): chr14:95,132,594, T>C on the plus strand (A>G on the coding strand, the complement: DICER1 is on the minus strand). VCF-style: chr14-95132594-T-C. GRCh37 (hg19) VCF-style: chr14-95598931-T-C.
Other names: c.228A>G, p.Leu76= (NM_001195573.1, NM_001271282.3, NM_001291628.2 and 1 more transcripts).
Identifiers: ClinVar variation 707664 (VCV000707664.15), dbSNP rs767713370, ClinGen allele CA7331710.